The following is an entry in ClinVar:

NM_016816.4(OAS1):c.584G>A (p.Arg195Lys)

Gene: OAS1 (2'-5'-oligoadenylate synthetase 1; plus strand). Cytogenetic location: 12q24.13.
Variant type: single nucleotide variant.
Coding change: c.584G>A on transcript NM_016816.4 (MANE Select); coding-DNA position 584, G replaced by A.
Protein change: p.Arg195Lys; replaces arginine 195 with lysine.
Molecular consequence: missense variant. On other transcripts: synonymous variant (5).
Genome position (GRCh38, 1-based): chr12:112,911,165, G>A. VCF-style: chr12-112911165-G-A. GRCh37 (hg19) VCF-style: chr12-113348970-G-A.
Other names: c.584G>A, p.Arg195Lys (NM_001032409.3, NM_001320151.2, NM_001406022.1 and 2 more transcripts); c.537G>A, p.Glu179= (NM_001406020.1, NM_001406021.1, NM_001406023.1 and 2 more transcripts); short protein forms R195K.
Identifiers: ClinVar variation 1982612 (VCV001982612.4), dbSNP rs1007532999, ClinGen allele CA243748732.

ClinVar aggregate classification (germline): Uncertain significance (1 of 4 stars; one submission).

Submission:

Labcorp Genetics (formerly Invitae), Labcorp
Classification: Uncertain significance. Last evaluated: 2022-05-30. Review status: criteria provided, single submitter. Criteria: Invitae Variant Classification Sherloc (09022015). Collection method: clinical testing. Allele origin: germline.
Comment: This variant has not been reported in the literature in individuals affected with OAS1-related conditions. This variant is not present in population databases (gnomAD no frequency). In summary, the available evidence is currently insufficient to determine the role of this variant in disease. Therefore, it has been classified as a Variant of Uncertain Significance. Algorithms developed to predict the effect of missense changes on protein structure and function output the following: SIFT: "Not Available"; PolyPhen-2: "Benign"; Align-GVGD: "Not Available". The lysine amino acid residue is found in multiple mammalian species, which suggests that this missense change does not adversely affect protein function. This sequence change replaces arginine, which is basic and polar, with lysine, which is basic and polar, at codon 195 of the OAS1 protein (p.Arg195Lys).